The following is an entry in ClinVar:

ClinVar aggregate classification (germline): Likely pathogenic (1 of 4 stars; one submission).

Conditions:
Hereditary hemorrhagic telangiectasia (HHT). Also called: ORW DISEASE; Osler Weber Rendu syndrome; OSLER-RENDU-WEBER DISEASE; Osler hemorrhagic telangiectasia syndrome. Identifiers: Orphanet 774, MedGen C0039445, MONDO:0019180. Disease mechanism: loss of function.

Submission:

Labcorp Genetics (formerly Invitae), Labcorp
Classification: Likely pathogenic for Hereditary hemorrhagic telangiectasia. Last evaluated: 2023-02-10. Review status: criteria provided, single submitter. Criteria: Invitae Variant Classification Sherloc (09022015). Collection method: clinical testing. Allele origin: germline.
Comment: Algorithms developed to predict the effect of sequence changes on RNA splicing suggest that this variant may disrupt the consensus splice site. This variant has not been reported in the literature in individuals affected with ENG-related conditions. This variant is not present in population databases (gnomAD no frequency). This variant results in the deletion of part of exon 1 (c.65_67+19del) of the ENG gene. It is expected to disrupt RNA splicing. Variants that disrupt the donor or acceptor splice site typically lead to a loss of protein function (PMID: 16199547), and loss-of-function variants in ENG are known to be pathogenic (PMID: 15879500). In summary, the currently available evidence indicates that the variant is pathogenic, but additional data are needed to prove that conclusively. Therefore, this variant has been classified as Likely Pathogenic.

Literature cited by the submitters: PubMed 16199547; PubMed 15879500.

NM_001114753.3(ENG):c.65_67+19del

Gene: ENG (endoglin; minus strand). Cytogenetic location: 9q34.11.
Variant type: Deletion.
Coding change: c.65_67+19del on transcript NM_001114753.3 (MANE Select); coding-DNA position 65 through 19 bases into the intron after coding-DNA position 67, 22 bases deleted (CAAGTAGGTGTCCAGGGACCCA).
Molecular consequence: splice donor variant.
Genome position (GRCh38, 1-based): chr9:127,854,270-127,854,291, TGGGTCCCTGGACACCTACTTG deleted on the plus strand (CAAGTAGGTGTCCAGGGACCCA on the coding strand, the reverse complement: ENG is on the minus strand); deleting any 22 consecutive bases within chr9:127,854,270-127,854,295 gives the same sequence; the c. name uses the placement nearest the transcript's 3' end. VCF-style (leftmost placement, unchanged base first): chr9-127854269-CTGGGTCCCTGGACACCTACTTG-C. GRCh37 (hg19) VCF-style: chr9-130616548-CTGGGTCCCTGGACACCTACTTG-C.
Other names: c.65_67+19del (NM_000118.4, NM_001406715.1).
Identifiers: ClinVar variation 2836033 (VCV002836033.3), dbSNP rs2539126206, ClinGen allele CA2739264799.
Genomic context (GRCh38, chr9:127,854,269, plus strand): 5'-GGAAGGAGGCCGGGAATACTTGGGGCCTGGTCCGTGCACCGGAGGCCGAGTCTCCCCACC[CTGGGTCCCTGGACACCTACTTG>C]TGGGGCTGAGGCTGCAGCTGGCCAGCAGCAGGGCAACAGCCAGAGGGAGCGTGCCGCGGT-3'